The following is an entry in ClinVar:

NM_006904.7(PRKDC):c.2935-3C>T

Gene: PRKDC (protein kinase, DNA-activated, catalytic subunit; minus strand). Cytogenetic location: 8q11.21.
Variant type: single nucleotide variant.
Coding change: c.2935-3C>T on transcript NM_006904.7 (MANE Select); 3 bases into the intron before coding-DNA position 2935, C replaced by T.
Molecular consequence: intron variant.
Genome position (GRCh38, 1-based): chr8:47,904,979, G>A on the plus strand (C>T on the coding strand, the complement: PRKDC is on the minus strand). VCF-style: chr8-47904979-G-A. GRCh37 (hg19) VCF-style: chr8-48817539-G-A.
Other names: c.2935-3C>T (NM_001081640.2).
Identifiers: ClinVar variation 655045 (VCV000655045.7), dbSNP rs1280900667, ClinGen allele CA581664897.

ClinVar aggregate classification (germline): Uncertain significance (1 of 4 stars; one submission).

Conditions:
Severe combined immunodeficiency due to DNA-PKcs deficiency. Also called: IMMUNODEFICIENCY 26 WITH NEUROLOGIC ABNORMALITIES; Immunodeficiency 26 with or without neurologic abnormalities. Identifiers: Orphanet 317425, MedGen C4014833, MONDO:0014423, OMIM 615966.

Allele frequency attached by ClinVar (database versions not stated): gnomAD 0.00001; TOPMed 0.00001; gnomAD exomes 0.00002.
gnomAD v4.1: 29 of 1,597,918 alleles (0.0018%); highest among the groups gnomAD compares: Non-Finnish European, 0.00086%; no homozygotes.

Submission:

Labcorp Genetics (formerly Invitae), Labcorp
Classification: Uncertain significance for Severe combined immunodeficiency due to DNA-PKcs deficiency. Last evaluated: 2024-08-13. Review status: criteria provided, single submitter. Criteria: Invitae Variant Classification Sherloc (09022015). Collection method: clinical testing. Allele origin: germline.
Comment: This sequence change falls in intron 25 of the PRKDC gene. It does not directly change the encoded amino acid sequence of the PRKDC protein. It affects a nucleotide within the consensus splice site. This variant is present in population databases (no rsID available, gnomAD 0.04%). This variant has not been reported in the literature in individuals affected with PRKDC-related conditions. ClinVar contains an entry for this variant (Variation ID: 655045). Variants that disrupt the consensus splice site are a relatively common cause of aberrant splicing (PMID: 17576681, 9536098). Algorithms developed to predict the effect of sequence changes on RNA splicing suggest that this variant is not likely to affect RNA splicing. In summary, the available evidence is currently insufficient to determine the role of this variant in disease. Therefore, it has been classified as a Variant of Uncertain Significance.

Literature cited by the submitters: PubMed 17576681; PubMed 9536098.